The following is an entry in ClinVar:

ClinVar aggregate classification (germline): Likely benign. Review status: criteria provided, multiple submitters, no conflicts (2 of 4 stars). 3 submissions from 3 submitters: Likely benign (2). 1 of the submissions does not count toward it. Last evaluated 2022-09-01.

Conditions:
TNNI2-related disorder. Also called: TNNI2-related condition.

Allele frequency attached by ClinVar (database versions not stated): ExAC 0.00023; ESP Exome Variant Server 0.00023; TOPMed 0.00029; gnomAD 0.00030 and 0.00031; 1000 Genomes Project 30x 0.00031; 1000 Genomes Project 0.00040.
gnomAD v4.1: 758 of 1,610,532 alleles (0.047%); highest among the groups gnomAD compares: Non-Finnish European, 0.06%; 2 homozygotes.

Submissions (3):

CeGaT Center for Human Genetics Tuebingen
Classification: Likely benign. Last evaluated: 2022-09-01. Review status: criteria provided, single submitter. Criteria: CeGaT Center For Human Genetics Tuebingen Variant Classification Criteria Version 2. Collection method: clinical testing. Allele origin: germline. Affected: yes. Observed: 1 variant allele.
Comment: TNNI2: BP4, BP7

GeneDx
Classification: Likely benign. Last evaluated: 2020-10-20. Review status: criteria provided, single submitter. Criteria: GeneDx Variant Classification Process June 2021. Collection method: clinical testing. Allele origin: germline. Affected: yes.

PreventionGenetics, part of Exact Sciences
Classification: Likely benign for TNNI2-related condition. Last evaluated: 2019-10-28. Review status: no assertion criteria provided. Collection method: clinical testing. Allele origin: germline. Not counted in ClinVar's aggregate classification.
Comment: This variant is classified as likely benign based on ACMG/AMP sequence variant interpretation guidelines (Richards et al. 2015 PMID: 25741868, with internal and published modifications).

NM_003282.4(TNNI2):c.36G>A (p.Thr12=)

Gene: TNNI2 (troponin I2, fast skeletal type; plus strand). Cytogenetic location: 11p15.5.
Variant type: single nucleotide variant.
Coding change: c.36G>A on transcript NM_003282.4 (MANE Select); coding-DNA position 36, G replaced by A.
Protein change: p.Thr12=; no amino-acid change (threonine 12 retained).
Molecular consequence: synonymous variant.
Genome position (GRCh38, 1-based): chr11:1,840,423, G>A. VCF-style: chr11-1840423-G-A. GRCh37 (hg19) VCF-style: chr11-1861653-G-A.
Other names: c.36G>A, p.Thr12= (NM_001145829.2, NM_001145841.2).
Identifiers: ClinVar variation 1195508 (VCV001195508.27), dbSNP rs201930714, ClinGen allele CA5815058.